The following is an entry in ClinVar:

ClinVar aggregate classification (germline): Uncertain significance (0 of 4 stars; one submission).

Conditions:
MPDZ-related disorder. Also called: MPDZ-related condition.

Submission:

PreventionGenetics, part of Exact Sciences
Classification: Uncertain significance for MPDZ-related condition. Last evaluated: 2024-07-30. Review status: no assertion criteria provided. Collection method: clinical testing. Allele origin: germline.
Comment: The MPDZ c.2626T>G variant is predicted to result in the amino acid substitution p.Ser876Ala. To our knowledge, this variant has not been reported in the literature or in a large population database, indicating this variant is rare. At this time, the clinical significance of this variant is uncertain due to the absence of conclusive functional and genetic evidence.

NM_001378778.1(MPDZ):c.2626T>G (p.Ser876Ala)

Gene: MPDZ (multiple PDZ domain crumbs cell polarity complex component; minus strand). Cytogenetic location: 9p23.
Variant type: single nucleotide variant.
Coding change: c.2626T>G on transcript NM_001378778.1 (MANE Select); coding-DNA position 2626, T replaced by G.
Protein change: p.Ser876Ala; replaces serine 876 with alanine.
Molecular consequence: missense variant.
Genome position (GRCh38, 1-based): chr9:13,183,441, A>C on the plus strand (T>G on the coding strand, the complement: MPDZ is on the minus strand). VCF-style: chr9-13183441-A-C. GRCh37 (hg19) VCF-style: chr9-13183440-A-C.
Other names: c.2626T>G, p.Ser876Ala (NM_001261406.2, NM_001261407.2, NM_001330637.2 and 14 more transcripts); short protein forms S876A.
Identifiers: ClinVar variation 3347552 (VCV003347552.1).
Genomic context (GRCh38, chr9:13,183,441, plus strand): 5'-CTTTCCTATAAAAGAAAAATTGGCTTTTCCTTTGTACCTTAGGAGGAGATGATGGAAGGG[A>C]AGAACCATAGTTCAGGCCATCACCACAAGAACTGCCATGAAGAGATAAAATAGAGGCTTG-3'
Protein context (NP_001365707.1, residues 866-886): SCGDGLNYGS[Ser876Ala]LPSSPPKDVI